The following is an entry in ClinVar:

ClinVar aggregate classification (germline): Benign (1 of 4 stars; one submission).

Conditions:
Xeroderma pigmentosum variant type. Also called: POLH-Related Xeroderma Pigmentosum; PHOTOSENSITIVITY WITH DEFECTIVE DNA SYNTHESIS; XERODERMA PIGMENTOSUM WITH NORMAL DNA REPAIR RATES. Identifiers: Orphanet 90342, MedGen C1848410, MONDO:0010214, OMIM 278750.

Allele frequency attached by ClinVar (database versions not stated): gnomAD exomes 0.00506 and 0.00927; gnomAD 0.03299 and 0.03578; ESP Exome Variant Server 0.03401; 1000 Genomes Project 30x 0.03654; TOPMed 0.03773; ExAC 0.01013; 1000 Genomes Project 0.03255.
gnomAD v4.1: 6,925 of 517,386 alleles (1.3%); highest among the groups gnomAD compares: African/African-American, 11%; 342 homozygotes.

Submission:

Illumina Laboratory Services, Illumina
Classification: Benign for Xeroderma pigmentosum variant type. Last evaluated: 2018-01-13. Review status: criteria provided, single submitter. Criteria: ICSL Variant Classification Criteria 13 December 2019. Collection method: clinical testing. Allele origin: germline.
Comment: This variant was observed in the ICSL laboratory as part of a predisposition screen in an ostensibly healthy population. It had not been previously curated by ICSL or reported in the Human Gene Mutation Database (HGMD: prior to June 1st, 2018), and was therefore a candidate for classification through an automated scoring system. Utilizing variant allele frequency, disease prevalence and penetrance estimates, and inheritance mode, an automated score was calculated to assess if this variant is too frequent to cause the disease. Based on the score and internal cut-off values, a variant classified as benign is not then subjected to further curation. The score for this variant resulted in a classification of benign for this disease.

NM_006502.3(POLH):c.*5713T>C

Gene: POLH (DNA polymerase eta; plus strand). Cytogenetic location: 6p21.1.
Variant type: single nucleotide variant.
Coding change: c.*5713T>C on transcript NM_006502.3 (MANE Select); 5713 bases downstream of the stop codon, T replaced by C.
Molecular consequence: 3 prime UTR variant.
Genome position (GRCh38, 1-based): chr6:43,620,270, T>C. VCF-style: chr6-43620270-T-C. GRCh37 (hg19) VCF-style: chr6-43588007-T-C.
Other names: c.*5713T>C (NM_001291969.2); c.*6539T>C (NM_001291970.2).
Identifiers: ClinVar variation 357014 (VCV000357014.7), dbSNP rs75658777, ClinGen allele CA3827382.